The following is an entry in ClinVar:

NM_001283009.2(RTEL1):c.1798G>A (p.Glu600Lys)

Genes: RTEL1 (regulator of telomere elongation helicase 1; plus strand), RTEL1-TNFRSF6B (RTEL1-TNFRSF6B readthrough (NMD candidate); plus strand). Cytogenetic location: 20q13.33.
Variant type: single nucleotide variant.
Coding change: c.1798G>A on transcript NM_001283009.2 (MANE Select); coding-DNA position 1798, G replaced by A.
Protein change: p.Glu600Lys; replaces glutamic acid 600 with lysine.
Molecular consequence: missense variant. On other transcripts: non-coding transcript variant (1).
Genome position (GRCh38, 1-based): chr20:63,688,603, G>A. VCF-style: chr20-63688603-G-A. GRCh37 (hg19) VCF-style: chr20-62319956-G-A.
Other names: c.1129G>A, p.Glu377Lys (NM_001283010.1); c.1798G>A, p.Glu600Lys (NM_016434.4); c.1870G>A, p.Glu624Lys (NM_032957.5); short protein forms E600K, E377K, E624K.
Identifiers: ClinVar variation 2164249 (VCV002164249.4), dbSNP rs199796539, ClinGen allele CA9964977.
Genomic context (GRCh38, chr20:63,688,603, plus strand): 5'-AGGAAGATGGAGGCGCTGAAGCCGCTGTTTGTGGAGCCCAGGAGCAAAGGCAGCTTCTCC[G>A]AGGTCGGCACTTGGCCGGGGCTCTGGGCCTGCTGCCCCCTCGTGCCTCCCCTGCCTCTCA-3'
Protein context (NP_001269938.1, residues 590-610): VEPRSKGSFS[Glu600Lys]TISAYYARVA

ClinVar aggregate classification (germline): Uncertain significance. Review status: criteria provided, multiple submitters, no conflicts (2 of 4 stars). 2 submissions from 2 submitters: Uncertain significance (2). Last evaluated 2026-01-02.

Conditions:
Pulmonary fibrosis and/or bone marrow failure, Telomere-related, 3. Also called: PULMONARY FIBROSIS AND/OR BONE MARROW FAILURE SYNDROME, TELOMERE-RELATED, 3. Identifiers: Orphanet 2032, MedGen C4225346, MONDO:0014613, OMIM 616373.
Dyskeratosis congenita, autosomal recessive 5 (DKCB5). Identifiers: MedGen C3554656, MONDO:0014076, OMIM 615190.

Allele frequency attached by ClinVar (database versions not stated): gnomAD exomes 0.00002; TOPMed 0.00002; ExAC 0.00003; 1000 Genomes Project 0.00020; gnomAD 0.00001; 1000 Genomes Project 30x 0.00016.
gnomAD v4.1: 26 of 1,605,970 alleles (0.0016%); highest among the groups gnomAD compares: East Asian, 0.0089%; no homozygotes.

Submissions (2):

Labcorp Genetics (formerly Invitae), Labcorp
Classification: Uncertain significance for Dyskeratosis congenita, autosomal recessive 5; Pulmonary fibrosis and/or bone marrow failure, Telomere-related, 3. Last evaluated: 2026-01-02. Review status: criteria provided, single submitter. Criteria: Invitae Variant Classification Sherloc (09022015). Collection method: clinical testing. Allele origin: germline.
Comment: This sequence change replaces glutamic acid, which is acidic and polar, with lysine, which is basic and polar, at codon 600 of the RTEL1 protein (p.Glu600Lys). This variant is present in population databases (rs199796539, gnomAD 0.002%). This variant has not been reported in the literature in individuals affected with RTEL1-related conditions. ClinVar contains an entry for this variant (Variation ID: 2164249). An algorithm developed to predict the effect of missense changes on protein structure and function (PolyPhen-2) suggests that this variant is likely to be disruptive. In summary, the available evidence is currently insufficient to determine the role of this variant in disease. Therefore, it has been classified as a Variant of Uncertain Significance.

Fulgent Genetics
Classification: Uncertain significance for Dyskeratosis congenita, autosomal recessive 5; Pulmonary fibrosis and/or bone marrow failure, Telomere-related, 3. Last evaluated: 2024-05-15. Review status: criteria provided, single submitter. Criteria: ACMG Guidelines, 2015. Collection method: clinical testing. Allele origin: germline.